The following is an entry in ClinVar:

NM_000179.3(MSH6):c.2707C>G (p.Pro903Ala)

Gene: MSH6 (mutS homolog 6; plus strand). Cytogenetic location: 2p16.3.
Variant type: single nucleotide variant.
Coding change: c.2707C>G on transcript NM_000179.3 (MANE Select); coding-DNA position 2707, C replaced by G.
Protein change: p.Pro903Ala; replaces proline 903 with alanine.
Molecular consequence: missense variant. On other transcripts: non-coding transcript variant (5), intron variant (2).
Genome position (GRCh38, 1-based): chr2:47,800,690, C>G. VCF-style: chr2-47800690-C-G. GRCh37 (hg19) VCF-style: chr2-48027829-C-G.
Other names: c.2707C>G, p.Pro903Ala (NM_001406809.1, NM_001406796.1, NM_001406798.1 and 2 more transcripts); c.1801C>G, p.Pro601Ala (NM_001406811.1, NM_001406812.1, NM_001406814.1 and 6 more transcripts); c.2713C>G, p.Pro905Ala (NM_001406813.1); c.2410C>G, p.Pro804Ala (NM_001406818.1, NM_001406819.1, NM_001406820.1 and 10 more transcripts); c.652C>G, p.Pro218Ala (NM_001407362.1); c.2308+399C>G (NM_001406803.1); c.1606+1101C>G (NM_001406817.1); c.2317C>G, p.Pro773Ala (NM_001281492.2); and 4 more; short protein forms P218A, P601A, P728A, P773A, P804A, P847A, P877A, P903A.
Identifiers: ClinVar variation 4280321 (VCV004280321.1).

ClinVar aggregate classification (germline): Uncertain significance (1 of 4 stars; one submission).

Conditions:
Hereditary cancer-predisposing syndrome. Also called: Tumor predisposition; Neoplastic Syndromes, Hereditary; Hereditary Cancer Syndrome; Hereditary neoplastic syndrome. Identifiers: Orphanet 140162, MedGen C0027672, MeSH D009386, MONDO:0015356.

Submission:

Catlab - Consorci Sanitari de Terrassa
Classification: Uncertain significance for Hereditary cancer-predisposing syndrome. Last evaluated: 2025-06-25. Review status: criteria provided, single submitter. Criteria: ClinGen CRC ACMG Specifications MSH6 V1.0.0. Collection method: clinical testing. Allele origin: germline.
Comment: Based on the currently available information, this variant is classified as Variant of Uncertain Significance according to ClinGen-MSH6 v1.0.0 guidelines. ACMG criteria: PM2_supp, PP3_mod.